The following is an entry in ClinVar:

ClinVar aggregate classification (germline): Uncertain significance (1 of 4 stars; one submission).

Conditions:
Inflammatory skin and bowel disease, neonatal, 1. Identifiers: Orphanet 294023, MedGen C3280501, MONDO:0013693, OMIM 614328.

gnomAD v4.1: 4 of 1,614,082 alleles (0.00025%); highest among the groups gnomAD compares: Admixed American, 0.0067%; no homozygotes.

Submission:

Labcorp Genetics (formerly Invitae), Labcorp
Classification: Uncertain significance for Inflammatory skin and bowel disease, neonatal, 1. Last evaluated: 2026-01-14. Review status: criteria provided, single submitter. Criteria: Invitae Variant Classification Sherloc (09022015). Collection method: clinical testing. Allele origin: germline.
Comment: This sequence change replaces proline, which is neutral and non-polar, with alanine, which is neutral and non-polar, at codon 736 of the ADAM17 protein (p.Pro736Ala). This variant is present in population databases (rs763595824, gnomAD 0.006%). This variant has not been reported in the literature in individuals affected with ADAM17-related conditions. An algorithm developed to predict the effect of missense changes on protein structure and function (PolyPhen-2) suggests that this variant is likely to be tolerated. In summary, the available evidence is currently insufficient to determine the role of this variant in disease. Therefore, it has been classified as a Variant of Uncertain Significance.

NM_003183.6(ADAM17):c.2206C>G (p.Pro736Ala)

Genes: ADAM17 (ADAM metallopeptidase domain 17; minus strand), IAH1 (isoamyl acetate hydrolyzing esterase 1 (putative); plus strand). Cytogenetic location: 2p25.1.
Variant type: single nucleotide variant.
Coding change: c.2206C>G on transcript NM_003183.6 (MANE Select); coding-DNA position 2206, C replaced by G.
Protein change: p.Pro736Ala; replaces proline 736 with alanine.
Molecular consequence: missense variant.
Genome position (GRCh38, 1-based): chr2:9,490,446, G>C on the plus strand (C>G on the coding strand, the complement: ADAM17 is on the minus strand). VCF-style: chr2-9490446-G-C. GRCh37 (hg19) VCF-style: chr2-9630575-G-C.
Other names: c.1546C>G, p.Pro516Ala (NM_001382777.1); c.1309C>G, p.Pro437Ala (NM_001382778.1); short protein forms P516A, P736A, P437A.
Identifiers: ClinVar variation 4766368 (VCV004766368.1).